The following is an entry in ClinVar:

NM_012281.3(KCND2):c.458A>G (p.Asp153Gly)

Gene: KCND2 (potassium voltage-gated channel subfamily D member 2; plus strand). Cytogenetic location: 7q31.31.
Variant type: single nucleotide variant.
Coding change: c.458A>G on transcript NM_012281.3 (MANE Select); coding-DNA position 458, A replaced by G.
Protein change: p.Asp153Gly; replaces aspartic acid 153 with glycine.
Molecular consequence: missense variant.
Genome position (GRCh38, 1-based): chr7:120,275,090, A>G. VCF-style: chr7-120275090-A-G. GRCh37 (hg19) VCF-style: chr7-119915144-A-G.
Other names: short protein forms D153G.
Identifiers: ClinVar variation 2910323 (VCV002910323.3), dbSNP rs1254929311, ClinGen allele CA369131653.

ClinVar aggregate classification (germline): Uncertain significance (1 of 4 stars; one submission).

Conditions:
Early Myoclonic Encephalopathy. Identifiers: MedGen C0270855.

Allele frequency attached by ClinVar (database versions not stated): gnomAD exomes 0.00001; gnomAD 0.00001; TOPMed 0.00002.
gnomAD v4.1: 23 of 1,613,744 alleles (0.0014%); highest among the groups gnomAD compares: Non-Finnish European, 0.0016%; no homozygotes.

Submission:

Labcorp Genetics (formerly Invitae), Labcorp
Classification: Uncertain significance for Early Myoclonic Encephalopathy. Last evaluated: 2023-10-10. Review status: criteria provided, single submitter. Criteria: Invitae Variant Classification Sherloc (09022015). Collection method: clinical testing. Allele origin: germline.
Comment: This sequence change replaces aspartic acid, which is acidic and polar, with glycine, which is neutral and non-polar, at codon 153 of the KCND2 protein (p.Asp153Gly). This variant is present in population databases (no rsID available, gnomAD 0.002%). This variant has not been reported in the literature in individuals affected with KCND2-related conditions. Advanced modeling of protein sequence and biophysical properties (such as structural, functional, and spatial information, amino acid conservation, physicochemical variation, residue mobility, and thermodynamic stability) performed at Invitae indicates that this missense variant is not expected to disrupt KCND2 protein function. In summary, the available evidence is currently insufficient to determine the role of this variant in disease. Therefore, it has been classified as a Variant of Uncertain Significance.